The following is an entry in ClinVar:

NM_014712.3(SETD1A):c.563A>C (p.Tyr188Ser)

Gene: SETD1A (SET domain containing 1A, histone lysine methyltransferase; plus strand). Cytogenetic location: 16p11.2.
Variant type: single nucleotide variant.
Coding change: c.563A>C on transcript NM_014712.3 (MANE Select); coding-DNA position 563, A replaced by C.
Protein change: p.Tyr188Ser; replaces tyrosine 188 with serine.
Molecular consequence: missense variant.
Genome position (GRCh38, 1-based): chr16:30,963,478, A>C. VCF-style: chr16-30963478-A-C. GRCh37 (hg19) VCF-style: chr16-30974799-A-C.
Other names: short protein forms Y188S.
Identifiers: ClinVar variation 3776554 (VCV003776554.1).

ClinVar aggregate classification (germline): Uncertain significance (1 of 4 stars; one submission).

Submission:

GeneDx
Classification: Uncertain significance. Last evaluated: 2024-10-02. Review status: criteria provided, single submitter. Criteria: GeneDx Variant Classification Process June 2021. Collection method: clinical testing. Allele origin: germline. Affected: yes.
Comment: Not observed at significant frequency in large population cohorts (gnomAD); In silico analysis supports that this missense variant has a deleterious effect on protein structure/function; Has not been previously published as pathogenic or benign to our knowledge